The following is an entry in ClinVar:

ClinVar aggregate classification (germline): Likely benign (1 of 4 stars; one submission).

Conditions:
Arrhythmogenic right ventricular dysplasia 1. Identifiers: Orphanet 3403, MedGen C1862511, MONDO:0007152, OMIM 107970.

Allele frequency attached by ClinVar (database versions not stated): TOPMed below 0.00001.

Submission:

Baylor-Hopkins Center for Mendelian Genomics, Johns Hopkins University School of Medicine
Classification: Likely benign for Arrhythmogenic right ventricular dysplasia, familial 1. Review status: criteria provided, single submitter. Criteria: ACMG Guidelines, 2015. Collection method: research. Allele origin: unknown. Affected: yes. Observed: 1 variant allele, 1 heterozygote.
Comment: Phase not known

NM_201384.3(PLEC):c.11617C>G (p.Leu3873Val)

Gene: PLEC (plectin; minus strand). Cytogenetic location: 8q24.3.
Variant type: single nucleotide variant.
Coding change: c.11617C>G on transcript NM_201384.3 (MANE Select); coding-DNA position 11617, C replaced by G.
Protein change: p.Leu3873Val; replaces leucine 3873 with valine.
Molecular consequence: missense variant.
Genome position (GRCh38, 1-based): chr8:143,918,204, G>C on the plus strand (C>G on the coding strand, the complement: PLEC is on the minus strand). VCF-style: chr8-143918204-G-C. GRCh37 (hg19) VCF-style: chr8-144992372-G-C.
Other names: c.11698C>G, p.Leu3900Val (NM_000445.5); c.11575C>G, p.Leu3859Val (NM_201378.4); c.11551C>G, p.Leu3851Val (NM_201379.3); c.12028C>G, p.Leu4010Val (NM_201380.4); c.11521C>G, p.Leu3841Val (NM_201381.3); c.11617C>G, p.Leu3873Val (NM_201382.4); c.11629C>G, p.Leu3877Val (NM_201383.3); short protein forms L3841V, L3851V, L3859V, L3873V, L3877V, L3900V, L4010V.
Identifiers: ClinVar variation 634814 (VCV000634814.3), dbSNP rs782207321, ClinGen allele CA372489460.